The following is an entry in ClinVar:

ClinVar aggregate classification (germline): Likely benign (1 of 4 stars; one submission).

Conditions:
PLXNA3-related disorder. Also called: PLXNA3-related condition.

gnomAD v4.1: 7 of 1,183,508 alleles (0.00059%); highest among the groups gnomAD compares: Non-Finnish European, 0.0008%; no homozygotes.

Submissions (2):

PreventionGenetics, part of Exact Sciences
Classification: Likely benign for PLXNA3-related condition. Last evaluated: 2026-03-19. Review status: criteria provided, single submitter. Criteria: ACMG Guidelines, 2015. Collection method: clinical testing. Allele origin: germline.
Comment: This variant is classified as likely benign based on ACMG/AMP sequence variant interpretation guidelines (Richards et al. 2015 PMID: 25741868, with internal and published modifications).

Dr. Peter K. Rogan Lab, Western University
No classification provided (evidence only). Condition: Gastric cancer. Review status: no classification provided. Collection method: in vitro. Allele origin: not applicable. Functional consequence: retained intron. Not counted in ClinVar's aggregate classification.

NM_017514.5(PLXNA3):c.4698+6G>A

Gene: PLXNA3 (plexin A3; plus strand). Cytogenetic location: Xq28.
Variant type: single nucleotide variant.
Coding change: c.4698+6G>A on transcript NM_017514.5 (MANE Select); 6 bases into the intron after coding-DNA position 4698, G replaced by A.
Molecular consequence: intron variant.
Genome position (GRCh38, 1-based): chrX:154,469,488, G>A. VCF-style: chrX-154469488-G-A. GRCh37 (hg19) VCF-style: chrX-153697831-G-A.
Other names: NC_000023.10:g.153697831G>A; c.4698+6G>A (NM_017514.4).
Identifiers: ClinVar variation 4479346 (VCV004479346.2).